The following is an entry in ClinVar:

NM_001256545.2(MEGF10):c.185A>G (p.Asp62Gly)

Gene: MEGF10 (multiple EGF like domains 10; plus strand). Cytogenetic location: 5q23.2.
Variant type: single nucleotide variant.
Coding change: c.185A>G on transcript NM_001256545.2 (MANE Select); coding-DNA position 185, A replaced by G.
Protein change: p.Asp62Gly; replaces aspartic acid 62 with glycine.
Molecular consequence: missense variant.
Genome position (GRCh38, 1-based): chr5:127,339,188, A>G. VCF-style: chr5-127339188-A-G. GRCh37 (hg19) VCF-style: chr5-126674880-A-G.
Other names: c.185A>G, p.Asp62Gly (NM_001308119.2, NM_001308121.2, NM_032446.3); short protein forms D62G.
Identifiers: ClinVar variation 2016586 (VCV002016586.4), dbSNP rs2479428560, ClinGen allele CA360822142.

ClinVar aggregate classification (germline): Uncertain significance (1 of 4 stars; one submission).

Conditions:
MEGF10-related myopathy (CMYO10A). Also called: Congenital myopathy 10A, severe variant. Identifiers: Orphanet 439212, MedGen C3280679, MONDO:0013731, OMIM 614399.

Submission:

Labcorp Genetics (formerly Invitae), Labcorp
Classification: Uncertain significance for MEGF10-related myopathy. Last evaluated: 2022-07-13. Review status: criteria provided, single submitter. Criteria: Invitae Variant Classification Sherloc (09022015). Collection method: clinical testing. Allele origin: germline.
Comment: This sequence change replaces aspartic acid, which is acidic and polar, with glycine, which is neutral and non-polar, at codon 62 of the MEGF10 protein (p.Asp62Gly). This variant is not present in population databases (gnomAD no frequency). This variant has not been reported in the literature in individuals affected with MEGF10-related conditions. Algorithms developed to predict the effect of missense changes on protein structure and function are either unavailable or do not agree on the potential impact of this missense change (SIFT: "Deleterious"; PolyPhen-2: "Probably Damaging"; Align-GVGD: "Class C0"). In summary, the available evidence is currently insufficient to determine the role of this variant in disease. Therefore, it has been classified as a Variant of Uncertain Significance.